The following is an entry in ClinVar:

ClinVar aggregate classification (germline): Uncertain significance. Review status: criteria provided, multiple submitters, no conflicts (2 of 4 stars). 6 submissions from 6 submitters: Uncertain significance (6). Last evaluated 2025-11-19.

Conditions:
Paramyotonia congenita of Von Eulenburg. Also called: PARALYSIS PERIODICA PARAMYOTONICA; Paramyotonia Congenita; Eulenburg disease; Myotonia congenita intermittens; Von Eulenburg paramyotonia congenita. Identifiers: Orphanet 684, MedGen C0221055, MONDO:0008195, OMIM 168300. Disease mechanism: loss of function.
Congenital myopathy 22A, classic (CMYO22A). Identifiers: MedGen C5830453, MONDO:0957247, OMIM 620351.
Congenital myopathy 22B, severe fetal (CMYO22B). Identifiers: MedGen C5830501, MONDO:0957265, OMIM 620369.
Hypokalemic periodic paralysis, type 2 (HOKPP2). Identifiers: Orphanet 681, MedGen C2750061, MONDO:0013234, OMIM 613345.
Potassium-aggravated myotonia. Also called: MYOTONIA CONGENITA, ACETAZOLAMIDE-RESPONSIVE; MYOTONIA CONGENITA, ATYPICAL; SODIUM CHANNEL MUSCLE DISEASE; Myotonia congenita, atypical, acetazolamide-responsive. Identifiers: Orphanet 612, Orphanet 99734, Orphanet 99735, Orphanet 99736, MedGen C2931826, MONDO:0018959, OMIM 608390.
Congenital myasthenic syndrome 16. Identifiers: Orphanet 590, MedGen C3280112, MONDO:0013620, OMIM 614198.
Hyperkalemic periodic paralysis. Also called: Familial hyperkalemic periodic paralysis; Gamstorp disease. Identifiers: Orphanet 682, MedGen C0238357, MONDO:0008224, OMIM 170500, HP:0007215.

Allele frequency attached by ClinVar (database versions not stated): 1000 Genomes Project 0.00020; gnomAD exomes 0.00001; 1000 Genomes Project 30x 0.00016; ExAC 0.00002; gnomAD 0.00010 and 0.00011; TOPMed 0.00007; ESP Exome Variant Server 0.00008.
gnomAD v4.1: 23 of 1,613,710 alleles (0.0014%); highest among the groups gnomAD compares: African/African-American, 0.028%; no homozygotes.

Submissions (6):

Labcorp Genetics (formerly Invitae), Labcorp
Classification: Uncertain significance for Hyperkalemic periodic paralysis. Last evaluated: 2025-11-19. Review status: criteria provided, single submitter. Criteria: Invitae Variant Classification Sherloc (09022015). Collection method: clinical testing. Allele origin: germline.
Comment: This sequence change replaces threonine, which is neutral and polar, with alanine, which is neutral and non-polar, at codon 1804 of the SCN4A protein (p.Thr1804Ala). This variant is present in population databases (rs372635510, gnomAD 0.03%). This variant has not been reported in the literature in individuals affected with SCN4A-related conditions. ClinVar contains an entry for this variant (Variation ID: 1484775). Invitae Evidence Modeling of protein sequence and biophysical properties (such as structural, functional, and spatial information, amino acid conservation, physicochemical variation, residue mobility, and thermodynamic stability) indicates that this missense variant is not expected to disrupt SCN4A protein function with a negative predictive value of 95%. In summary, the available evidence is currently insufficient to determine the role of this variant in disease. Therefore, it has been classified as a Variant of Uncertain Significance.

Athena Diagnostics
Classification: Uncertain significance. Last evaluated: 2025-03-24. Review status: criteria provided, single submitter. Criteria: Athena Diagnostics Criteria. Collection method: clinical testing. Allele origin: unknown.
Comment: Available data are insufficient to determine the clinical significance of the variant at this time. The frequency of this variant in the general population is uninformative in assessment of its pathogenicity. Polyphen and MutationTaster predict this amino acid change may be benign.

Women's Health and Genetics/Laboratory Corporation of America, LabCorp
Classification: Uncertain significance. Last evaluated: 2024-07-02. Review status: criteria provided, single submitter. Criteria: LabCorp Variant Classification Summary - May 2015. Collection method: clinical testing. Allele origin: germline.
Comment: Variant summary: SCN4A c.5410A>G (p.Thr1804Ala) results in a non-conservative amino acid change in the encoded protein sequence. Four of five in-silico tools predict a benign effect of the variant on protein function. The variant allele was found at a frequency of 1.2e-05 in 248658 control chromosomes. The available data on variant occurrences in the general population are insufficient to allow any conclusion about variant significance. To our knowledge, no occurrence of c.5410A>G in individuals affected with Congenital Myopathy 22A, Classic and no experimental evidence demonstrating its impact on protein function have been reported. ClinVar contains an entry for this variant (Variation ID: 1484775). Based on the evidence outlined above, the variant was classified as uncertain significance.

Fulgent Genetics
Classification: Uncertain significance for Paramyotonia congenita of Von Eulenburg; Hyperkalemic periodic paralysis; Potassium-aggravated myotonia; Hypokalemic periodic paralysis, type 2; Congenital myasthenic syndrome 16; Congenital myopathy 22A, classic; Congenital myopathy 22B, severe fetal. Last evaluated: 2024-04-16. Review status: criteria provided, single submitter. Criteria: ACMG Guidelines, 2015. Collection method: clinical testing. Allele origin: germline.

Revvity Omics, Revvity
Classification: Uncertain significance. Last evaluated: 2022-08-18. Review status: criteria provided, single submitter. Criteria: ACMG Guidelines, 2015. Collection method: clinical testing. Allele origin: germline.

GeneDx
Classification: Uncertain significance. Last evaluated: 2022-05-05. Review status: criteria provided, single submitter. Criteria: GeneDx Variant Classification Process June 2021. Collection method: clinical testing. Allele origin: germline. Affected: yes.
Comment: In silico analysis supports that this missense variant does not alter protein structure/function; Has not been previously published as pathogenic or benign to our knowledge

NM_000334.4(SCN4A):c.5410A>G (p.Thr1804Ala)

Genes: GH-LCR (growth hormone locus control region; plus strand), SCN4A (sodium voltage-gated channel alpha subunit 4; minus strand). Cytogenetic location: 17q23.3.
Variant type: single nucleotide variant.
Coding change: c.5410A>G on transcript NM_000334.4 (MANE Select); coding-DNA position 5410, A replaced by G.
Protein change: p.Thr1804Ala; replaces threonine 1804 with alanine.
Molecular consequence: missense variant.
Genome position (GRCh38, 1-based): chr17:63,940,872, T>C on the plus strand (A>G on the coding strand, the complement: SCN4A is on the minus strand). VCF-style: chr17-63940872-T-C. GRCh37 (hg19) VCF-style: chr17-62018232-T-C.
Other names: short protein forms T1804A.
Identifiers: ClinVar variation 1484775 (VCV001484775.16), dbSNP rs372635510, ClinGen allele CA8708759.